The following is an entry in ClinVar:

ClinVar aggregate classification (germline): Uncertain significance (1 of 4 stars; one submission).

Conditions:
Early-infantile DEE. Also called: Ohtahara syndrome; Early infantile epileptic encephalopathy; Early infantile epileptic encephalopathy with suppression bursts. Identifiers: Orphanet 1934, MedGen C0393706, MONDO:0800491.

Submission:

Labcorp Genetics (formerly Invitae), Labcorp
Classification: Uncertain significance for Early-infantile DEE. Last evaluated: 2023-10-07. Review status: criteria provided, single submitter. Criteria: Invitae Variant Classification Sherloc (09022015). Collection method: clinical testing. Allele origin: germline.
Comment: This sequence change replaces asparagine, which is neutral and polar, with serine, which is neutral and polar, at codon 145 of the SCN8A protein (p.Asn145Ser). This variant is not present in population databases (gnomAD no frequency). This variant has not been reported in the literature in individuals affected with SCN8A-related conditions. Advanced modeling of protein sequence and biophysical properties (such as structural, functional, and spatial information, amino acid conservation, physicochemical variation, residue mobility, and thermodynamic stability) performed at Invitae indicates that this missense variant is expected to disrupt SCN8A protein function. In summary, the available evidence is currently insufficient to determine the role of this variant in disease. Therefore, it has been classified as a Variant of Uncertain Significance.

NM_001330260.2(SCN8A):c.434A>G (p.Asn145Ser)

Gene: SCN8A (sodium voltage-gated channel alpha subunit 8; plus strand). Cytogenetic location: 12q13.13.
Variant type: single nucleotide variant.
Coding change: c.434A>G on transcript NM_001330260.2 (MANE Select); coding-DNA position 434, A replaced by G.
Protein change: p.Asn145Ser; replaces asparagine 145 with serine.
Molecular consequence: missense variant.
Genome position (GRCh38, 1-based): chr12:51,686,406, A>G. VCF-style: chr12-51686406-A-G. GRCh37 (hg19) VCF-style: chr12-52080190-A-G.
Other names: c.434A>G, p.Asn145Ser (NM_001177984.3, NM_001369788.1, NM_014191.4); short protein forms N145S.
Identifiers: ClinVar variation 2766604 (VCV002766604.3), dbSNP rs2540154832, ClinGen allele CA385221695.